The following is an entry in ClinVar:

ClinVar aggregate classification (germline): Pathogenic (1 of 4 stars; one submission).

Conditions:
Neurofibromatosis, type 1 (NF1). Also called: NEUROFIBROMATOSIS, TYPE I, SOMATIC; Peripheral type neurofibromatosis; Neurofibromatosis, type I; VON RECKLINGHAUSEN DISEASE. Identifiers: Orphanet 636, MedGen C0027831, MONDO:0018975, OMIM 162200. Disease mechanism: loss of function.

Submission:

Labcorp Genetics (formerly Invitae), Labcorp
Classification: Pathogenic for Neurofibromatosis, type 1. Last evaluated: 2025-01-19. Review status: criteria provided, single submitter. Criteria: Invitae Variant Classification Sherloc (09022015). Collection method: clinical testing. Allele origin: germline.
Comment: This sequence change creates a premature translational stop signal (p.Cys93Leufs*14) in the NF1 gene. It is expected to result in an absent or disrupted protein product. Loss-of-function variants in NF1 are known to be pathogenic (PMID: 10712197, 23913538). This variant is not present in population databases (gnomAD no frequency). This variant has not been reported in the literature in individuals affected with NF1-related conditions. For these reasons, this variant has been classified as Pathogenic.

Literature cited by the submitters: PubMed 10712197; PubMed 23913538.

NM_001042492.3(NF1):c.277dup (p.Cys93fs)

Gene: NF1 (neurofibromin 1; plus strand). Cytogenetic location: 17q11.2.
Variant type: Duplication.
Coding change: c.277dup on transcript NM_001042492.3 (MANE Select); coding-DNA position 277, one base duplicated (T; older notation c.277dupT).
Protein change: p.Cys93fs; shifts the reading frame from cysteine 93.
Molecular consequence: frameshift variant.
Genome position (GRCh38, 1-based): chr17:31,159,082, T duplicated. VCF-style (leftmost placement, unchanged base first): chr17-31159081-A-AT. GRCh37 (hg19) VCF-style: chr17-29486099-A-AT.
Other names: c.277dup, p.Cys93Leufs (NM_000267.4); c.277dup, p.Cys93fs (NM_001128147.3); short protein forms C93fs.
Identifiers: ClinVar variation 3729181 (VCV003729181.2).